The following is an entry in ClinVar:

ClinVar aggregate classification (germline): Likely pathogenic (1 of 4 stars; one submission).

Submission:

Labcorp Genetics (formerly Invitae), Labcorp
Classification: Likely pathogenic. Last evaluated: 2021-12-23. Review status: criteria provided, single submitter. Criteria: Invitae Variant Classification Sherloc (09022015). Collection method: clinical testing. Allele origin: germline.
Comment: In summary, the currently available evidence indicates that the variant is pathogenic, but additional data are needed to prove that conclusively. Therefore, this variant has been classified as Likely Pathogenic. Algorithms developed to predict the effect of sequence changes on RNA splicing suggest that this variant may disrupt the consensus splice site. This variant has not been reported in the literature in individuals affected with COL7A1-related conditions. This variant is not present in population databases (gnomAD no frequency). This sequence change affects an acceptor splice site in intron 22 of the COL7A1 gene. It is expected to disrupt RNA splicing. Variants that disrupt the donor or acceptor splice site typically lead to a loss of protein function (PMID: 16199547), and loss-of-function variants in COL7A1 are known to be pathogenic (PMID: 16971478).

Literature cited by the submitters: PubMed 16199547; PubMed 16971478.

NM_000094.4(COL7A1):c.2993-1G>C

Gene: COL7A1 (collagen type VII alpha 1 chain; minus strand). Cytogenetic location: 3p21.31.
Variant type: single nucleotide variant.
Coding change: c.2993-1G>C on transcript NM_000094.4 (MANE Select); the canonical splice acceptor site of the intron before coding-DNA position 2993, G replaced by C.
Molecular consequence: splice acceptor variant.
Genome position (GRCh38, 1-based): chr3:48,587,337, C>G on the plus strand (G>C on the coding strand, the complement: COL7A1 is on the minus strand). VCF-style: chr3-48587337-C-G. GRCh37 (hg19) VCF-style: chr3-48624770-C-G.
Identifiers: ClinVar variation 2055795 (VCV002055795.4), dbSNP rs752277081, ClinGen allele CA352713572.